The following is an entry in ClinVar:

NM_001127178.3(PIGG):c.878G>A (p.Ser293Asn)

Gene: PIGG (phosphatidylinositol glycan anchor biosynthesis class G (EMM blood group); plus strand). Cytogenetic location: 4p16.3.
Variant type: single nucleotide variant.
Coding change: c.878G>A on transcript NM_001127178.3 (MANE Select); coding-DNA position 878, G replaced by A.
Protein change: p.Ser293Asn; replaces serine 293 with asparagine.
Molecular consequence: missense variant. On other transcripts: 5 prime UTR variant (3), non-coding transcript variant (10), intron variant (1).
Genome position (GRCh38, 1-based): chr4:508,947, G>A. VCF-style: chr4-508947-G-A. GRCh37 (hg19) VCF-style: chr4-502736-G-A.
Other names: c.611G>A, p.Ser204Asn (NM_001289051.2, NM_001289053.2, NM_001289057.2 and 2 more transcripts); c.479G>A, p.Ser160Asn (NM_001289052.2); c.512G>A, p.Ser171Asn (NM_001289055.2); c.878G>A, p.Ser293Asn (NM_001345989.2, NM_017733.5); c.-748G>A (NM_001345990.2); c.-610G>A (NM_001345991.2); c.-335G>A (NM_001345994.2); c.-129+1354G>A (NM_001345988.2); short protein forms S171N, S293N, S160N, S204N.
Identifiers: ClinVar variation 5008261 (VCV005008261.1).
Genomic context (GRCh38, chr4:508,947, plus strand): 5'-AAACAGGAAGTCACGGGGCCTCCTCCACCGAGGAGGTGAATACACCTCTGATTTTAATCA[G>A]TTCTGCGTTTGAAAGGAAACCCGGTGAGAATTTAGGAATGTTAACAGTTGGAAATTGTAT-3'
Protein context (NP_001120650.1, residues 283-303): EEVNTPLILI[Ser293Asn]SAFERKPGDI

ClinVar aggregate classification (germline): Uncertain significance (1 of 4 stars; one submission).

gnomAD v4.1: 4 of 1,612,594 alleles (0.00025%); highest among the groups gnomAD compares: Non-Finnish European, 0.00034%; no homozygotes.

Submission:

GeneDx
Classification: Uncertain significance. Last evaluated: 2026-03-03. Review status: criteria provided, single submitter. Criteria: GeneDx Variant Classification Process June 2021. Collection method: clinical testing. Allele origin: germline.
Comment: Not observed at significant frequency in large population cohorts (gnomAD); In silico analysis suggests that this missense variant does not alter protein structure/function; Has not been previously published as pathogenic or benign to our knowledge